The following is an entry in ClinVar:

ClinVar aggregate classification (germline): Likely benign. Review status: criteria provided, multiple submitters, no conflicts (2 of 4 stars). 4 submissions from 4 submitters: Likely benign (4). Last evaluated 2025-06-20.

Conditions:
Cardiomyopathy (CMYO). Also called: Cardiomyopathies. Identifiers: Orphanet 167848, MedGen C0878544, MONDO:0004994, HP:0001638. Inheritance: Various modes of inheritance.
Hypertrophic cardiomyopathy. Also called: HYPERTROPHIC MYOCARDIOPATHY. Identifiers: Orphanet 217569, MedGen C0007194, MeSH D002312, MONDO:0005045, HP:0001639.

Allele frequency attached by ClinVar (database versions not stated): gnomAD exomes below 0.00001 and 0.00001; gnomAD 0.00002; TOPMed 0.00002.
gnomAD v4.1: 12 of 1,594,382 alleles (0.00075%); highest among the groups gnomAD compares: Non-Finnish European, 0.00077%; no homozygotes.

Submissions (4):

Labcorp Genetics (formerly Invitae), Labcorp
Classification: Likely benign for Hypertrophic cardiomyopathy. Last evaluated: 2025-06-20. Review status: criteria provided, single submitter. Criteria: Invitae Variant Classification Sherloc (09022015). Collection method: clinical testing. Allele origin: germline.

All of Us Research Program, National Institutes of Health
Classification: Likely benign for Hypertrophic cardiomyopathy. Last evaluated: 2024-09-11. Review status: criteria provided, single submitter. Criteria: ACMG Guidelines, 2015. Collection method: clinical testing. Allele origin: germline. Inheritance: Autosomal dominant inheritance. Observed: 1 variant allele, 1 heterozygote.
Comment: This study involves interpretation of variants in research participants for the purpose of population health screening. Participant phenotype was not available at the time of variant classification. Additional details can be found in publication PMID: 35346344, PMCID: PMC8962531

Color Diagnostics, LLC DBA Color Health
Classification: Likely benign for Cardiomyopathy. Last evaluated: 2018-10-22. Review status: criteria provided, single submitter. Criteria: ACMG Guidelines, 2015. Collection method: clinical testing. Allele origin: germline.

GeneDx
Classification: Likely benign. Last evaluated: 2017-09-29. Review status: criteria provided, single submitter. Criteria: GeneDx Variant Classification (06012015). Collection method: clinical testing. Allele origin: germline. Affected: yes.
Comment: This variant is considered likely benign or benign based on one or more of the following criteria: it is a conservative change, it occurs at a poorly conserved position in the protein, it is predicted to be benign by multiple in silico algorithms, and/or has population frequency not consistent with disease.

NM_000256.3(MYBPC3):c.882C>T (p.Asp294=)

Gene: MYBPC3 (myosin binding protein C3; minus strand). Cytogenetic location: 11p11.2.
Variant type: single nucleotide variant.
Coding change: c.882C>T on transcript NM_000256.3 (MANE Select); coding-DNA position 882, C replaced by T.
Protein change: p.Asp294=; no amino-acid change (aspartic acid 294 retained).
Molecular consequence: synonymous variant.
Genome position (GRCh38, 1-based): chr11:47,347,449, G>A on the plus strand (C>T on the coding strand, the complement: MYBPC3 is on the minus strand). VCF-style: chr11-47347449-G-A. GRCh37 (hg19) VCF-style: chr11-47369000-G-A.
Other names: c.882C>T, p.Asp294= (LRG_386t1).
Identifiers: ClinVar variation 512375 (VCV000512375.14), dbSNP rs1459586065, ClinGen allele CA474221218.